The following is an entry in ClinVar:

NM_005121.3(MED13):c.4691T>G (p.Met1564Arg)

Gene: MED13 (mediator complex subunit 13; minus strand). Cytogenetic location: 17q23.2.
Variant type: single nucleotide variant.
Coding change: c.4691T>G on transcript NM_005121.3 (MANE Select); coding-DNA position 4691, T replaced by G.
Protein change: p.Met1564Arg; replaces methionine 1564 with arginine.
Molecular consequence: missense variant.
Genome position (GRCh38, 1-based): chr17:61,965,159, A>C on the plus strand (T>G on the coding strand, the complement: MED13 is on the minus strand). VCF-style: chr17-61965159-A-C. GRCh37 (hg19) VCF-style: chr17-60042520-A-C.
Other names: short protein forms M1564R.
Identifiers: ClinVar variation 3365112 (VCV003365112.1).

ClinVar aggregate classification (germline): Uncertain significance (1 of 4 stars; one submission).

Submission:

GeneDx
Classification: Uncertain significance. Last evaluated: 2023-12-11. Review status: criteria provided, single submitter. Criteria: GeneDx Variant Classification Process June 2021. Collection method: clinical testing. Allele origin: germline. Affected: yes.
Comment: Not observed at significant frequency in large population cohorts (gnomAD); In silico analysis supports that this missense variant does not alter protein structure/function; Has not been previously published as pathogenic or benign to our knowledge